The following is an entry in ClinVar:

NM_004370.6(COL12A1):c.7184G>A (p.Arg2395Lys)

Genes: COL12A1 (collagen type XII alpha 1 chain; minus strand), LOC126859712 (MED14-independent group 3 enhancer GRCh37_chr6:75828643-75829842; plus strand). Cytogenetic location: 6q13.
Variant type: single nucleotide variant.
Coding change: c.7184G>A on transcript NM_004370.6 (MANE Select); coding-DNA position 7184, G replaced by A.
Protein change: p.Arg2395Lys; replaces arginine 2395 with lysine.
Molecular consequence: missense variant.
Genome position (GRCh38, 1-based): chr6:75,119,376, C>T on the plus strand (G>A on the coding strand, the complement: COL12A1 is on the minus strand). VCF-style: chr6-75119376-C-T. GRCh37 (hg19) VCF-style: chr6-75829092-C-T.
Other names: c.7184G>A, p.Arg2395Lys (NM_001424113.1); c.7163G>A, p.Arg2388Lys (NM_001424114.1); c.6911G>A, p.Arg2304Lys (NM_001424115.1); c.3692G>A, p.Arg1231Lys (NM_001424116.1, NM_080645.3); short protein forms R2304K, R2388K, R2395K, R1231K.
Identifiers: ClinVar variation 2935153 (VCV002935153.3), dbSNP rs1297625818, ClinGen allele CA364748513.

ClinVar aggregate classification (germline): Uncertain significance (1 of 4 stars; one submission).

Conditions:
Ullrich congenital muscular dystrophy 2 (UCMD2). Identifiers: Orphanet 75840, MedGen C4225314, MONDO:0014654, OMIM 616470.
Bethlem myopathy 2 (BTHLM2). Identifiers: Orphanet 536516, Orphanet 610, MedGen C4225313, MONDO:0034022, OMIM 616471.

Allele frequency attached by ClinVar (database versions not stated): gnomAD exomes below 0.00001.
gnomAD v4.1: 1 of 1,613,768 alleles (0.000062%); highest among the groups gnomAD compares: Non-Finnish European, 0.000085%; no homozygotes.

Submission:

Labcorp Genetics (formerly Invitae), Labcorp
Classification: Uncertain significance for Bethlem myopathy 2; Ullrich congenital muscular dystrophy 2. Last evaluated: 2025-04-03. Review status: criteria provided, single submitter. Criteria: Invitae Variant Classification Sherloc (09022015). Collection method: clinical testing. Allele origin: germline.
Comment: This sequence change replaces arginine, which is basic and polar, with lysine, which is basic and polar, at codon 2395 of the COL12A1 protein (p.Arg2395Lys). This variant is present in population databases (no rsID available, gnomAD 0.0009%). This variant has not been reported in the literature in individuals affected with COL12A1-related conditions. ClinVar contains an entry for this variant (Variation ID: 2935153). Invitae Evidence Modeling of protein sequence and biophysical properties (such as structural, functional, and spatial information, amino acid conservation, physicochemical variation, residue mobility, and thermodynamic stability) indicates that this missense variant is not expected to disrupt COL12A1 protein function with a negative predictive value of 80%. In summary, the available evidence is currently insufficient to determine the role of this variant in disease. Therefore, it has been classified as a Variant of Uncertain Significance.